The following is an entry in ClinVar:

ClinVar aggregate classification (germline): Benign/Likely benign. Review status: criteria provided, multiple submitters, no conflicts (2 of 4 stars). 11 submissions from 11 submitters: Benign (6); Likely benign (2). 3 of the submissions do not count toward it. Last evaluated 2026-04-14.

Conditions:
Progressive familial intrahepatic cholestasis type 1. Also called: BYLER DISEASE; Byler's disease; Severe ATP8B1 Deficiency (Progressive Familial Intrahepatic Cholestasis Type 1 [PFIC1]). Identifiers: Orphanet 79306, MedGen C4551898, MONDO:0008892, OMIM 211600.
Familial intrahepatic cholestasis. Identifiers: Orphanet 284385, MedGen CN296401, MONDO:0017290.

Allele frequency attached by ClinVar (database versions not stated): 1000 Genomes Project 30x 0.04294; 1000 Genomes Project 0.04513; TOPMed 0.07475; gnomAD 0.07804 and 0.08072; gnomAD exomes 0.08244 and 0.10790; ESP Exome Variant Server 0.08435; ExAC 0.08543.
gnomAD v4.1: 169,219 of 1,613,884 alleles (10%); highest among the groups gnomAD compares: Non-Finnish European, 12%; 9,838 homozygotes.

Submissions (11):

Genomenon, Inc
Classification: Benign for Familial intrahepatic cholestasis. Last evaluated: 2026-04-14. Review status: criteria provided, single submitter. Criteria: Genomenon Sequence Variant Interpretation Standards - Updated. Collection method: curation. Allele origin: germline. Affected: no.
Comment: ATP8B1 p.Arg952Gln (c.2855G>A) is a missense variant that changes the amino acid at residue 952 from Arginine to Glutamine. This variant is present at high allele frequency in population databases. In conclusion, we classify ATP8B1 p.Arg952Gln (c.2855G>A) as a benign variant.

Labcorp Genetics (formerly Invitae), Labcorp
Classification: Benign. Last evaluated: 2026-02-04. Review status: criteria provided, single submitter. Criteria: Invitae Variant Classification Sherloc (09022015). Collection method: clinical testing. Allele origin: germline.

Mayo Clinic Laboratories, Mayo Clinic
Classification: Benign. Last evaluated: 2025-03-22. Review status: criteria provided, single submitter. Criteria: ACMG Guidelines, 2015. Collection method: clinical testing. Allele origin: germline. Observed: 80 variant alleles.

Women's Health and Genetics/Laboratory Corporation of America, LabCorp
Classification: Likely benign. Last evaluated: 2021-12-03. Review status: criteria provided, single submitter. Criteria: LabCorp Variant Classification Summary - May 2015. Collection method: clinical testing. Allele origin: germline.

Illumina Laboratory Services, Illumina
Classification: Benign for Progressive familial intrahepatic cholestasis type 1. Last evaluated: 2018-01-13. Review status: criteria provided, single submitter. Criteria: ICSL Variant Classification Criteria 13 December 2019. Collection method: clinical testing. Allele origin: germline.
Comment: This variant was observed in the ICSL laboratory as part of a predisposition screen in an ostensibly healthy population. It had not been previously curated by ICSL or reported in the Human Gene Mutation Database (HGMD: prior to June 1st, 2018), and was therefore a candidate for classification through an automated scoring system. Utilizing variant allele frequency, disease prevalence and penetrance estimates, and inheritance mode, an automated score was calculated to assess if this variant is too frequent to cause the disease. Based on the score and internal cut-off values, a variant classified as benign is not then subjected to further curation. The score for this variant resulted in a classification of benign for this disease.

GeneDx
Classification: Benign. Last evaluated: 2015-12-23. Review status: criteria provided, single submitter. Criteria: GeneDx Variant Classification (06012015). Collection method: clinical testing. Allele origin: germline. Affected: yes.
Comment: This variant is considered likely benign or benign based on one or more of the following criteria: it is a conservative change, it occurs at a poorly conserved position in the protein, it is predicted to be benign by multiple in silico algorithms, and/or has population frequency not consistent with disease.

Breakthrough Genomics
Classification: Likely benign. Review status: criteria provided, single submitter. Criteria: ACMG Guidelines, 2015. Collection method: not provided. Allele origin: germline. Inheritance: Autosomal recessive inheritance. Affected: yes.

PreventionGenetics, part of Exact Sciences
Classification: Benign. Review status: criteria provided, single submitter. Criteria: ACMG Guidelines, 2015. Collection method: clinical testing. Allele origin: germline.

Diagnostic Laboratory, Department of Genetics, University Medical Center Groningen
Classification: Benign. Review status: no assertion criteria provided. Collection method: clinical testing. Allele origin: germline. Affected: yes. Study: VKGL Data-share Consensus. Not counted in ClinVar's aggregate classification.

Genome Diagnostics Laboratory, University Medical Center Utrecht
Classification: Benign. Review status: no assertion criteria provided. Collection method: clinical testing. Allele origin: germline. Affected: yes. Study: VKGL Data-share Consensus. Not counted in ClinVar's aggregate classification.

Joint Genome Diagnostic Labs from Nijmegen and Maastricht, Radboudumc and MUMC+
Classification: Benign. Review status: no assertion criteria provided. Collection method: clinical testing. Allele origin: germline. Affected: yes. Study: VKGL Data-share Consensus. Not counted in ClinVar's aggregate classification.

NM_001374385.1(ATP8B1):c.2855G>A (p.Arg952Gln)

Genes: ATP8B1-AS1 (ATP8B1 antisense RNA 1; plus strand), ATP8B1 (ATPase phospholipid transporting 8B1; minus strand). Cytogenetic location: 18q21.31.
Variant type: single nucleotide variant.
Coding change: c.2855G>A on transcript NM_001374385.1 (MANE Select); coding-DNA position 2855, G replaced by A.
Protein change: p.Arg952Gln; replaces arginine 952 with glutamine.
Molecular consequence: missense variant.
Genome position (GRCh38, 1-based): chr18:57,655,270, C>T on the plus strand (G>A on the coding strand, the complement: ATP8B1 is on the minus strand). VCF-style: chr18-57655270-C-T. GRCh37 (hg19) VCF-style: chr18-55322502-C-T.
Other names: c.2705G>A, p.Arg902Gln (NM_001374386.1); c.2855G>A, p.Arg952Gln (NM_005603.6); short protein forms R952Q, R902Q.
Identifiers: ClinVar variation 259820 (VCV000259820.19), dbSNP rs12968116, ClinGen allele CA8974144.